The following is an entry in ClinVar:

NM_001008537.3(NEXMIF):c.80-1G>T

Gene: NEXMIF (neurite extension and migration factor; minus strand). Cytogenetic location: Xq13.3.
Variant type: single nucleotide variant.
Coding change: c.80-1G>T on transcript NM_001008537.3 (MANE Select); the canonical splice acceptor site of the intron before coding-DNA position 80, G replaced by T.
Molecular consequence: splice acceptor variant.
Genome position (GRCh38, 1-based): chrX:74,744,478, C>A on the plus strand (G>T on the coding strand, the complement: NEXMIF is on the minus strand). VCF-style: chrX-74744478-C-A. GRCh37 (hg19) VCF-style: chrX-73964313-C-A.
Identifiers: ClinVar variation 4292443 (VCV004292443.1).

ClinVar aggregate classification (germline): Likely pathogenic (1 of 4 stars; one submission).

Conditions:
X-linked intellectual disability, Cantagrel type (XLID98). Also called: INTELLECTUAL DEVELOPMENTAL DISORDER, X-LINKED 98. Identifiers: Orphanet 85277, MedGen C3806730, MONDO:0010483, OMIM 300912.

Submission:

3billion
Classification: Likely pathogenic for X-linked intellectual disability, Cantagrel type. Last evaluated: 2024-07-12. Review status: criteria provided, single submitter. Criteria: ACMG Guidelines, 2015. Collection method: clinical testing. Allele origin: germline. Affected: yes.
Comment: The variant is not observed in the gnomAD v4.0.0 dataset. Predicted Consequence/Location: Canonical splice site: predicted to alter splicing and result in a loss or disruption of normal protein function. Multiple pathogenic loss-of-function variants are reported downstream of the variant. In silico tools predict the variant to alter splicing and produce an abnormal transcript [SpliceAI: 1.00 (spliceogenicity >=0.2, non-spliceogenicity <0.1)]. Therefore, this variant is classified as Likely pathogenic according to the recommendation of ACMG/AMP guideline.